The following is an entry in ClinVar:

ClinVar aggregate classification (germline): Uncertain significance. Review status: criteria provided, multiple submitters, no conflicts (2 of 4 stars). 2 submissions from 2 submitters: Uncertain significance (2). Last evaluated 2026-07-07.

Conditions:
GPRASP2-related disorder. Also called: GPRASP2-related condition.

Submissions (2):

PreventionGenetics, part of Exact Sciences
Classification: Uncertain significance for GPRASP2-related condition. Last evaluated: 2026-07-07. Review status: criteria provided, single submitter. Criteria: ACMG Guidelines, 2015. Collection method: clinical testing. Allele origin: germline.
Comment: The GPRASP2 c.475G>A variant is predicted to result in the amino acid substitution p.Glu159Lys. To our knowledge, this variant has not been reported in the literature. This variant is reported in 0.0072% of alleles in individuals of East Asian descent in gnomAD, including 8 hemizygous individuals in the larger gnomAD v4.1.1 database. Although we suspect that this variant may be benign, at this time, the clinical significance of this variant is uncertain due to the absence of conclusive functional and genetic evidence.

Ambry Genetics
Classification: Uncertain significance. Last evaluated: 2025-05-07. Review status: criteria provided, single submitter. Criteria: Ambry Variant Classification Scheme 2023. Collection method: clinical testing. Allele origin: germline.

NM_001004051.4(GPRASP2):c.475G>A (p.Glu159Lys)

Genes: ARMCX5-GPRASP2 (ARMCX5-GPRASP2 readthrough; plus strand), GPRASP2 (G protein-coupled receptor associated sorting protein 2; plus strand). Cytogenetic location: Xq22.1.
Variant type: single nucleotide variant.
Coding change: c.475G>A on transcript NM_001004051.4 (MANE Select); coding-DNA position 475, G replaced by A.
Protein change: p.Glu159Lys; replaces glutamic acid 159 with lysine.
Molecular consequence: missense variant. On other transcripts: intron variant (3).
Genome position (GRCh38, 1-based): chrX:102,715,344, G>A. VCF-style: chrX-102715344-G-A. GRCh37 (hg19) VCF-style: chrX-101970272-G-A.
Other names: c.475G>A, p.Glu159Lys (NM_001199818.1, NM_001184874.3, NM_001184875.3 and 2 more transcripts); c.-820+1078G>A (NM_001350268.2); c.-752+1078G>A (NM_001350269.2); c.-721+1078G>A (NM_001350270.1); c.475G>A (NM_138437.5); short protein forms E159K.
Identifiers: ClinVar variation 4031899 (VCV004031899.2).